The following is an entry in ClinVar:

ClinVar aggregate classification (germline): Uncertain significance (1 of 4 stars; one submission).

Conditions:
Neuroblastoma, susceptibility to, 3. Also called: ALK-Related Neuroblastic Tumor Susceptibility. Identifiers: Orphanet 635, MedGen C2751681, MONDO:0013083, OMIM 613014.

Submission:

Labcorp Genetics (formerly Invitae), Labcorp
Classification: Uncertain significance for Neuroblastoma, susceptibility to, 3. Last evaluated: 2022-06-19. Review status: criteria provided, single submitter. Criteria: Invitae Variant Classification Sherloc (09022015). Collection method: clinical testing. Allele origin: germline.
Comment: In summary, the available evidence is currently insufficient to determine the role of this variant in disease. Therefore, it has been classified as a Variant of Uncertain Significance. Algorithms developed to predict the effect of missense changes on protein structure and function output the following: SIFT: "Tolerated"; PolyPhen-2: "Benign"; Align-GVGD: "Class C0". The valine amino acid residue is found in multiple mammalian species, which suggests that this missense change does not adversely affect protein function. This variant has not been reported in the literature in individuals affected with ALK-related conditions. This variant is not present in population databases (gnomAD no frequency). This sequence change replaces isoleucine, which is neutral and non-polar, with valine, which is neutral and non-polar, at codon 622 of the ALK protein (p.Ile622Val).

NM_004304.5(ALK):c.1864A>G (p.Ile622Val)

Gene: ALK (ALK receptor tyrosine kinase; minus strand). Cytogenetic location: 2p23.2.
Variant type: single nucleotide variant.
Coding change: c.1864A>G on transcript NM_004304.5 (MANE Select); coding-DNA position 1864, A replaced by G.
Protein change: p.Ile622Val; replaces isoleucine 622 with valine.
Molecular consequence: missense variant.
Genome position (GRCh38, 1-based): chr2:29,275,450, T>C on the plus strand (A>G on the coding strand, the complement: ALK is on the minus strand). VCF-style: chr2-29275450-T-C. GRCh37 (hg19) VCF-style: chr2-29498316-T-C.
Other names: short protein forms I622V.
Identifiers: ClinVar variation 2087462 (VCV002087462.4), dbSNP rs2465332174, ClinGen allele CA346479955.